The following is an entry in ClinVar:

NM_153365.3(TAPT1):c.101G>T (p.Gly34Val)

Genes: TAPT1 (transmembrane anterior posterior transformation 1; minus strand), LOC129992296 (ATAC-STARR-seq lymphoblastoid silent region 15304; plus strand). Cytogenetic location: 4p15.32.
Variant type: single nucleotide variant.
Coding change: c.101G>T on transcript NM_153365.3 (MANE Select); coding-DNA position 101, G replaced by T.
Protein change: p.Gly34Val; replaces glycine 34 with valine.
Molecular consequence: missense variant.
Genome position (GRCh38, 1-based): chr4:16,226,357, C>A on the plus strand (G>T on the coding strand, the complement: TAPT1 is on the minus strand). VCF-style: chr4-16226357-C-A. GRCh37 (hg19) VCF-style: chr4-16227980-C-A.
Other names: short protein forms G34V.
Identifiers: ClinVar variation 3613918 (VCV003613918.2).

ClinVar aggregate classification (germline): Uncertain significance (1 of 4 stars; one submission).

Submission:

Labcorp Genetics (formerly Invitae), Labcorp
Classification: Uncertain significance. Last evaluated: 2024-08-01. Review status: criteria provided, single submitter. Criteria: Invitae Variant Classification Sherloc (09022015). Collection method: clinical testing. Allele origin: germline.
Comment: This sequence change replaces glycine, which is neutral and non-polar, with valine, which is neutral and non-polar, at codon 34 of the TAPT1 protein (p.Gly34Val). This variant is not present in population databases (gnomAD no frequency). This variant has not been reported in the literature in individuals affected with TAPT1-related conditions. Experimental studies and prediction algorithms are not available or were not evaluated, and the functional significance of this variant is currently unknown. In summary, the available evidence is currently insufficient to determine the role of this variant in disease. Therefore, it has been classified as a Variant of Uncertain Significance.